The following is an entry in ClinVar:

ClinVar aggregate classification (germline): Uncertain significance (0 of 4 stars; one submission).

Conditions:
PTCH1-related disorder. Also called: PTCH1-related disorders; PTCH1-related condition.

Allele frequency attached by ClinVar (database versions not stated): gnomAD exomes below 0.00001.
gnomAD v4.1: 1 of 1,614,192 alleles (0.000062%); highest among the groups gnomAD compares: Non-Finnish European, 0.000085%; no homozygotes.

Submission:

PreventionGenetics, part of Exact Sciences
Classification: Uncertain significance for PTCH1-related condition. Last evaluated: 2024-02-07. Review status: no assertion criteria provided. Collection method: clinical testing. Allele origin: germline.
Comment: The PTCH1 c.1327G>A variant is predicted to result in the amino acid substitution p.Ala443Thr. To our knowledge, this variant has not been reported in the literature or in a large population database, indicating this variant is rare. An alternate substitution of this amino acid (p.Ala443Gly) has been reported in an individual with holoprosencephaly (Ribeiro et al. 2006. PubMed ID: 17001668). At this time, the clinical significance of c.1327G>A (p.Ala443Thr) is uncertain due to the absence of conclusive functional and genetic evidence.

NM_000264.5(PTCH1):c.1327G>A (p.Ala443Thr)

Gene: PTCH1 (patched 1; minus strand). Cytogenetic location: 9q22.32.
Variant type: single nucleotide variant.
Coding change: c.1327G>A on transcript NM_000264.5 (MANE Select); coding-DNA position 1327, G replaced by A.
Protein change: p.Ala443Thr; replaces alanine 443 with threonine.
Molecular consequence: missense variant. On other transcripts: non-coding transcript variant (1).
Genome position (GRCh38, 1-based): chr9:95,478,075, C>T on the plus strand (G>A on the coding strand, the complement: PTCH1 is on the minus strand). VCF-style: chr9-95478075-C-T. GRCh37 (hg19) VCF-style: chr9-98240357-C-T.
Other names: c.1129G>A, p.Ala377Thr (NM_001083602.3); c.1324G>A, p.Ala442Thr (NM_001083603.3); c.874G>A, p.Ala292Thr (NM_001083604.3, NM_001083605.3, NM_001083606.3 and 1 more transcripts); c.1327G>A, p.Ala443Thr (NM_001354918.2); short protein forms A292T, A377T, A442T, A443T.
Identifiers: ClinVar variation 3031200 (VCV003031200.2), dbSNP rs2118330345, ClinGen allele CA374118742.
Genomic context (GRCh38, chr9:95,478,075, plus strand): 5'-ACCAAACTCCAGCCCCCAGGAGCATGGCATCGAGCGTTACCATGAGTAAGTAGCCGCTGG[C>T]CACGCGGATGACACTGACGTCAGAGAAGGATTTCAGGATGTCGTCCAGGGTCGTGGTGGT-3'
Protein context (NP_000255.2, residues 433-453): SFSDVSVIRV[Ala443Thr]SGYLLMLAYA